The following is an entry in ClinVar:

ClinVar aggregate classification (germline): Uncertain significance (1 of 4 stars; one submission).

Submission:

Ambry Genetics
Classification: Uncertain significance. Last evaluated: 2025-11-25. Review status: criteria provided, single submitter. Criteria: Ambry Variant Classification Scheme 2023. Collection method: clinical testing. Allele origin: germline.
Comment: The p.I580M variant (also known as c.1740C>G), located in coding exon 10 of the PALLD gene, results from a C to G substitution at nucleotide position 1740. The isoleucine at codon 580 is replaced by methionine, an amino acid with highly similar properties. This amino acid position is conserved. In addition, this alteration is predicted to be tolerated by in silico analysis. Based on the available evidence, the clinical significance of this variant remains unclear.

NM_001166108.2(PALLD):c.3252C>G (p.Ile1084Met)

Genes: CBR4 (carbonyl reductase 4; minus strand), PALLD (palladin, cytoskeletal associated protein; plus strand). Cytogenetic location: 4q32.3.
Variant type: single nucleotide variant.
Coding change: c.3252C>G on transcript NM_001166108.2 (MANE Select); coding-DNA position 3252, C replaced by G.
Protein change: p.Ile1084Met; replaces isoleucine 1084 with methionine.
Molecular consequence: missense variant.
Genome position (GRCh38, 1-based): chr4:168,924,972, C>G. VCF-style: chr4-168924972-C-G. GRCh37 (hg19) VCF-style: chr4-169846123-C-G.
Other names: c.2055C>G, p.Ile685Met (NM_001166109.2); c.1740C>G, p.Ile580Met (NM_001166110.2); c.1080C>G, p.Ile360Met (NM_001367567.1, NM_001367569.1); c.1131C>G, p.Ile377Met (NM_001367568.1, NM_001367570.1); c.3201C>G, p.Ile1067Met (NM_016081.4); short protein forms I1084M, I360M, I377M, I580M, I685M, I1067M.
Identifiers: ClinVar variation 4564191 (VCV004564191.1).